The following is an entry in ClinVar:

NM_030773.4(TUBB1):c.770T>C (p.Met257Thr)

Gene: TUBB1 (tubulin beta 1 class VI; plus strand). Cytogenetic location: 20q13.32.
Variant type: single nucleotide variant.
Coding change: c.770T>C on transcript NM_030773.4 (MANE Select); coding-DNA position 770, T replaced by C.
Protein change: p.Met257Thr; replaces methionine 257 with threonine.
Molecular consequence: missense variant.
Genome position (GRCh38, 1-based): chr20:59,024,197, T>C. VCF-style: chr20-59024197-T-C. GRCh37 (hg19) VCF-style: chr20-57599252-T-C.
Other names: short protein forms M257T.
Identifiers: ClinVar variation 3626125 (VCV003626125.2).

ClinVar aggregate classification (germline): Uncertain significance (1 of 4 stars; one submission).

gnomAD v4.1: 7 of 1,614,056 alleles (0.00043%); highest among the groups gnomAD compares: Admixed American, 0.0017%; no homozygotes.

Submission:

Labcorp Genetics (formerly Invitae), Labcorp
Classification: Uncertain significance. Last evaluated: 2024-09-15. Review status: criteria provided, single submitter. Criteria: Invitae Variant Classification Sherloc (09022015). Collection method: clinical testing. Allele origin: germline.
Comment: This sequence change replaces methionine, which is neutral and non-polar, with threonine, which is neutral and polar, at codon 257 of the TUBB1 protein (p.Met257Thr). This variant is present in population databases (rs202095800, gnomAD 0.0009%). This variant has not been reported in the literature in individuals affected with TUBB1-related conditions. Invitae Evidence Modeling of protein sequence and biophysical properties (such as structural, functional, and spatial information, amino acid conservation, physicochemical variation, residue mobility, and thermodynamic stability) indicates that this missense variant is expected to disrupt TUBB1 protein function with a positive predictive value of 80%. In summary, the available evidence is currently insufficient to determine the role of this variant in disease. Therefore, it has been classified as a Variant of Uncertain Significance.